The following is an entry in ClinVar:

NM_000038.6(APC):c.416_421del (p.Lys139_Glu140del)

Gene: APC (APC regulator of Wnt signaling pathway; plus strand). Cytogenetic location: 5q22.2.
Variant type: Deletion.
Coding change: c.416_421del on transcript NM_000038.6 (MANE Select); coding-DNA positions 416 to 421, 6 bases deleted (AAGAGA; older notation c.416_421delAAGAGA).
Protein change: p.Lys139_Glu140del.
Molecular consequence: inframe deletion. On other transcripts: 5 prime UTR variant (1), inframe indel (17).
Genome position (GRCh38, 1-based): chr5:112,767,384-112,767,389, AAGAGA deleted; deleting any 6 consecutive bases within chr5:112,767,380-112,767,389 gives the same sequence; the c. name uses the placement nearest the transcript's 3' end. VCF-style (leftmost placement, unchanged base first): chr5-112767379-TGAGAAA-T. GRCh37 (hg19) VCF-style: chr5-112103076-TGAGAAA-T.
Other names: c.416_421del, p.Lys139_Glu140del (NM_001127510.3, NM_001354895.2, NM_001354896.2 and 2 more transcripts); c.446_451del, p.Lys149_Glu150del (NM_001127511.3, NM_001354897.2, NM_001354902.2); c.341_346del, p.Lys114_Glu115del (NM_001354898.2, NM_001354904.2); c.239_244del, p.Lys80_Glu81del (NM_001354900.2, NM_001354901.2, NM_001354905.2); c.-620_-615del (NM_001354906.2); c.446_451delAAGAGA, p.Lys149_Glu150del (NM_001407446.1); c.416_421delAAGAGA, p.Lys139_Glu140del (NM_001407447.1, NM_001407448.1, NM_001407449.1 and 11 more transcripts); c.341_346delAAGAGA, p.Lys114_Glu115del (NM_001407451.1); and 2 more.
Identifiers: ClinVar variation 2006846 (VCV002006846.4), dbSNP rs2532302676, ClinGen allele CA2580072402.

ClinVar aggregate classification (germline): Uncertain significance (1 of 4 stars; one submission).

Conditions:
Familial adenomatous polyposis 1 (FAP1). Also called: POLYPOSIS, ADENOMATOUS INTESTINAL; FAMILIAL ADENOMATOUS POLYPOSIS 1, ATTENUATED. Identifiers: MedGen C2713442, MONDO:0021056, OMIM 175100. Disease mechanism: loss of function.

Submission:

Labcorp Genetics (formerly Invitae), Labcorp
Classification: Uncertain significance for Familial adenomatous polyposis 1. Last evaluated: 2022-06-15. Review status: criteria provided, single submitter. Criteria: Invitae Variant Classification Sherloc (09022015). Collection method: clinical testing. Allele origin: germline.
Comment: In summary, the available evidence is currently insufficient to determine the role of this variant in disease. Therefore, it has been classified as a Variant of Uncertain Significance. Experimental studies and prediction algorithms are not available or were not evaluated, and the functional significance of this variant is currently unknown. This variant has not been reported in the literature in individuals affected with APC-related conditions. This variant is not present in population databases (gnomAD no frequency). This variant, c.416_421del, results in the deletion of 2 amino acid(s) of the APC protein (p.Lys139_Glu140del), but otherwise preserves the integrity of the reading frame.